The following is an entry in ClinVar:

ClinVar aggregate classification (germline): Uncertain significance. Review status: criteria provided, multiple submitters, no conflicts (2 of 4 stars). 3 submissions from 3 submitters: Uncertain significance (3). Last evaluated 2024-09-18.

Conditions:
Inborn genetic diseases. Identifiers: MedGen C0950123, MeSH D030342.
Oculofaciocardiodental syndrome (MCOPS2). Identifiers: Orphanet 2712, MedGen C1846265, MONDO:0010261, OMIM 300166.

Allele frequency attached by ClinVar (database versions not stated): ExAC 0.00001; gnomAD exomes 0.00002; gnomAD 0.00003; TOPMed 0.00003.
gnomAD v4.1: 20 of 1,211,077 alleles (0.0017%); highest among the groups gnomAD compares: Admixed American, 0.0022%; no homozygotes.

Submissions (4):

Labcorp Genetics (formerly Invitae), Labcorp
Classification: Uncertain significance for Oculofaciocardiodental syndrome. Last evaluated: 2024-09-18. Review status: criteria provided, single submitter. Criteria: Invitae Variant Classification Sherloc (09022015). Collection method: clinical testing. Allele origin: germline.
Comment: This sequence change replaces methionine, which is neutral and non-polar, with valine, which is neutral and non-polar, at codon 461 of the BCOR protein (p.Met461Val). This variant is present in population databases (rs746591131, gnomAD 0.002%). This variant has not been reported in the literature in individuals affected with BCOR-related conditions. ClinVar contains an entry for this variant (Variation ID: 1308951). An algorithm developed to predict the effect of missense changes on protein structure and function (PolyPhen-2) suggests that this variant is likely to be tolerated. In summary, the available evidence is currently insufficient to determine the role of this variant in disease. Therefore, it has been classified as a Variant of Uncertain Significance.

Ambry Genetics
Classification: Uncertain significance for Inborn genetic diseases. Last evaluated: 2023-05-01. Review status: criteria provided, single submitter. Criteria: Ambry Variant Classification Scheme 2023. Collection method: clinical testing. Allele origin: germline.

GeneDx
Classification: Uncertain significance. Last evaluated: 2019-10-16. Review status: criteria provided, single submitter. Criteria: GeneDx Variant Classification Process June 2021. Collection method: clinical testing. Allele origin: germline. Affected: yes.
Comment: Not observed at a significant frequency in large population cohorts (Lek et al., 2016); In silico analysis, which includes protein predictors and evolutionary conservation, supports that this variant does not alter protein structure/function; Has not been previously published as pathogenic or benign to our knowledge

Dr. Peter K. Rogan Lab, Western University
No classification provided (evidence only). Condition: Nonpapillary renal cell carcinoma. Review status: no classification provided. Collection method: in vitro. Allele origin: not applicable. Functional consequence: retained intron. Not counted in ClinVar's aggregate classification.

NM_001123385.2(BCOR):c.1381A>G (p.Met461Val)

Genes: BCOR (BCL6 corepressor; minus strand), LOC126863239 (MED14-independent group 3 enhancer GRCh37_chrX:39932994-39934193; plus strand). Cytogenetic location: Xp11.4.
Variant type: single nucleotide variant.
Coding change: c.1381A>G on transcript NM_001123385.2 (MANE Select); coding-DNA position 1381, A replaced by G.
Protein change: p.Met461Val; replaces methionine 461 with valine.
Molecular consequence: missense variant.
Genome position (GRCh38, 1-based): chrX:40,073,965, T>C on the plus strand (A>G on the coding strand, the complement: BCOR is on the minus strand). VCF-style: chrX-40073965-T-C. GRCh37 (hg19) VCF-style: chrX-39933218-T-C.
Other names: c.1381A>G, p.Met461Val (NM_001123383.2, NM_001123384.2, NM_017745.6); short protein forms M461V.
Identifiers: ClinVar variation 1308951 (VCV001308951.9), dbSNP rs746591131, ClinGen allele CA10386932.